The following is an entry in ClinVar:

NM_001447.3(FAT2):c.8263A>G (p.Met2755Val)

Genes: FAT2 (FAT atypical cadherin 2; minus strand), SLC36A1 (solute carrier family 36 member 1; plus strand). Cytogenetic location: 5q33.1.
Variant type: single nucleotide variant.
Coding change: c.8263A>G on transcript NM_001447.3 (MANE Select); coding-DNA position 8263, A replaced by G.
Protein change: p.Met2755Val; replaces methionine 2755 with valine.
Molecular consequence: missense variant.
Genome position (GRCh38, 1-based): chr5:151,542,864, T>C on the plus strand (A>G on the coding strand, the complement: FAT2 is on the minus strand). VCF-style: chr5-151542864-T-C. GRCh37 (hg19) VCF-style: chr5-150922425-T-C.
Other names: short protein forms M2755V.
Identifiers: ClinVar variation 1955183 (VCV001955183.5), dbSNP rs2479841689, ClinGen allele CA361832306.

ClinVar aggregate classification (germline): Uncertain significance (1 of 4 stars; one submission).

Submission:

Labcorp Genetics (formerly Invitae), Labcorp
Classification: Uncertain significance. Last evaluated: 2022-02-01. Review status: criteria provided, single submitter. Criteria: Invitae Variant Classification Sherloc (09022015). Collection method: clinical testing. Allele origin: germline.
Comment: In summary, the available evidence is currently insufficient to determine the role of this variant in disease. Therefore, it has been classified as a Variant of Uncertain Significance. Algorithms developed to predict the effect of missense changes on protein structure and function (SIFT, PolyPhen-2, Align-GVGD) all suggest that this variant is likely to be tolerated. This variant has not been reported in the literature in individuals affected with FAT2-related conditions. This variant is not present in population databases (gnomAD no frequency). This sequence change replaces methionine, which is neutral and non-polar, with valine, which is neutral and non-polar, at codon 2755 of the FAT2 protein (p.Met2755Val).